The following is an entry in ClinVar:

ClinVar aggregate classification (germline): Likely benign. Review status: criteria provided, multiple submitters, no conflicts (2 of 4 stars). 2 submissions from 2 submitters: Likely benign (2). Last evaluated 2026-01-28.

Allele frequency attached by ClinVar (database versions not stated): gnomAD 0.00002; gnomAD exomes 0.00002; TOPMed 0.00002; ExAC 0.00003.
gnomAD v4.1: 28 of 1,581,422 alleles (0.0018%); highest among the groups gnomAD compares: Middle Eastern, 0.27%; 1 homozygote.

Submissions (2):

Labcorp Genetics (formerly Invitae), Labcorp
Classification: Likely benign. Last evaluated: 2026-01-28. Review status: criteria provided, single submitter. Criteria: Invitae Variant Classification Sherloc (09022015). Collection method: clinical testing. Allele origin: germline.

CeGaT Center for Human Genetics Tuebingen
Classification: Likely benign. Last evaluated: 2025-07-01. Review status: criteria provided, single submitter. Criteria: CeGaT Center For Human Genetics Tuebingen Variant Classification Criteria Version 2. Collection method: clinical testing. Allele origin: germline. Affected: yes. Observed: 1 variant allele.
Comment: RUSC2: BP4, BP7

NM_014806.5(RUSC2):c.381C>T (p.Thr127=)

Gene: RUSC2 (RUN and SH3 domain containing 2; plus strand). Cytogenetic location: 9p13.3.
Variant type: single nucleotide variant.
Coding change: c.381C>T on transcript NM_014806.5 (MANE Select); coding-DNA position 381, C replaced by T.
Protein change: p.Thr127=; no amino-acid change (threonine 127 retained).
Molecular consequence: synonymous variant. On other transcripts: non-coding transcript variant (1), intron variant (1).
Genome position (GRCh38, 1-based): chr9:35,546,902, C>T. VCF-style: chr9-35546902-C-T. GRCh37 (hg19) VCF-style: chr9-35546899-C-T.
Other names: c.381C>T, p.Thr127= (NM_001135999.2); c.-620-8158C>T (NM_001330740.2).
Identifiers: ClinVar variation 2197650 (VCV002197650.12), dbSNP rs765504240, ClinGen allele CA5043457.